The following is an entry in ClinVar:

ClinVar aggregate classification (germline): Uncertain significance (1 of 4 stars; one submission).

Submission:

Labcorp Genetics (formerly Invitae), Labcorp
Classification: Uncertain significance. Last evaluated: 2019-06-28. Review status: criteria provided, single submitter. Criteria: Invitae Variant Classification Sherloc (09022015). Collection method: clinical testing. Allele origin: germline.
Comment: In summary, the available evidence is currently insufficient to determine the role of this variant in disease. Therefore, it has been classified as a Variant of Uncertain Significance. Algorithms developed to predict the effect of missense changes on protein structure and function (SIFT, PolyPhen-2, Align-GVGD) all suggest that this variant is likely to be tolerated, but these predictions have not been confirmed by published functional studies and their clinical significance is uncertain. This variant has not been reported in the literature in individuals with OTUD6B-related conditions. This variant is not present in population databases (ExAC no frequency). This sequence change replaces arginine with glycine at codon 6 of the OTUD6B protein (p.Arg6Gly). The arginine residue is weakly conserved and there is a moderate physicochemical difference between arginine and glycine.

NC_000008.11:g.91070310A>G

Gene: OTUD6B (OTU deubiquitinase 6B; plus strand). Cytogenetic location: 8q21.3.
Variant type: single nucleotide variant.
Genome position: GRCh38 VCF-style: chr8-91070310-A-G. GRCh37 (hg19) VCF-style: chr8-92082538-A-G.
Other names: short protein forms R6G.
Identifiers: ClinVar variation 935052 (VCV000935052.10), dbSNP rs1812655898, ClinGen allele CA371657311.
Genomic context (GRCh38, chr8:91,070,310, plus strand): 5'-ATCCGGTGCCGCCTTGAAGGCGGGGCTGGGTCCCAGCCGTAGCCAATGGAGCCCCGGGTG[A>G]GGGTTGAGGGGTGGAAGGTGCCTACTAGCCGGTGCAGGTTTCTTCTAGCGCGTGTGCTGG-3'